The following is an entry in ClinVar:

ClinVar aggregate classification (germline): Uncertain significance. Review status: criteria provided, multiple submitters, no conflicts (2 of 4 stars). 2 submissions from 2 submitters: Uncertain significance (2). Last evaluated 2022-10-14.

Conditions:
Ehlers-Danlos syndrome, type 4 (EDSVASC). Also called: Ehlers-Danlos Syndrome Type IV; Ehlers-Danlos syndrome vascular type; Ehlers Danlos syndrome, ecchymotic type; Ehlers Danlos syndrome, arterial type; Ehlers Danlos syndrome, Sack-Barabas type. Identifiers: Orphanet 286, MedGen C0268338, MONDO:0017314, OMIM 130050.
Polymicrogyria with or without vascular-type Ehlers-Danlos syndrome. Identifiers: Orphanet 636941, MedGen C5193040, MONDO:0032688, OMIM 618343.
Familial thoracic aortic aneurysm and aortic dissection (TAAD). Also called: Thoracic aortic aneurysms and dissections. Identifiers: Orphanet 91387, MedGen C4707243, MONDO:0019625.

Submissions (2):

Color Diagnostics, LLC DBA Color Health
Classification: Uncertain significance for Familial thoracic aortic aneurysm and aortic dissection. Last evaluated: 2022-10-14. Review status: criteria provided, single submitter. Criteria: ACMG Guidelines, 2015. Collection method: clinical testing. Allele origin: germline.
Comment: This missense variant replaces glycine with alanine at codon 348 of the COL3A1 protein. This variant changes one of the conserved glycine residues within the Gly-Xaa-Yaa repeat motifs of the triple helical domain of the COL3A1 protein that are required for the structure and stability of fibrillar collagens (PMID: 7695699, 8218237, 19344236). To our knowledge, this variant has not been reported in individuals affected with cardiovascular disorders in the literature. This variant has not been identified in the general population by the Genome Aggregation Database (gnomAD). Although there is a suspicion that this variant may be associated with disease, additional clinical studies are necessary to determine the role of this variant in disease conclusively. Therefore, this variant is classified as a Variant of Uncertain Significance.

Fulgent Genetics
Classification: Uncertain significance for Ehlers-Danlos syndrome, type 4; Polymicrogyria with or without vascular-type Ehlers-Danlos syndrome. Last evaluated: 2022-02-09. Review status: criteria provided, single submitter. Criteria: ACMG Guidelines, 2015. Collection method: clinical testing. Allele origin: unknown.

Literature cited by the submitters: PubMed 7695699 (cited by Color Diagnostics, LLC DBA Color Health); PubMed 8218237 (cited by Color Diagnostics, LLC DBA Color Health); PubMed 19344236 (cited by Color Diagnostics, LLC DBA Color Health).

NM_000090.4(COL3A1):c.1043G>C (p.Gly348Ala)

Gene: COL3A1 (collagen type III alpha 1 chain; plus strand). Cytogenetic location: 2q32.2.
Variant type: single nucleotide variant.
Coding change: c.1043G>C on transcript NM_000090.4 (MANE Select); coding-DNA position 1043, G replaced by C.
Protein change: p.Gly348Ala; replaces glycine 348 with alanine.
Molecular consequence: missense variant.
Genome position (GRCh38, 1-based): chr2:188,992,933, G>C. VCF-style: chr2-188992933-G-C. GRCh37 (hg19) VCF-style: chr2-189857659-G-C.
Other names: short protein forms G348A.
Identifiers: ClinVar variation 920741 (VCV000920741.6), dbSNP rs1688218490, ClinGen allele CA349850702.